The following is an entry in ClinVar:

NM_020207.7(ERCC6L2):c.1796T>C (p.Val599Ala)

Gene: ERCC6L2 (ERCC excision repair 6 like 2; plus strand). Cytogenetic location: 9q22.32.
Variant type: single nucleotide variant.
Coding change: c.1796T>C on transcript NM_020207.7 (MANE Select); coding-DNA position 1796, T replaced by C.
Protein change: p.Val599Ala; replaces valine 599 with alanine.
Molecular consequence: missense variant. On other transcripts: non-coding transcript variant (1).
Genome position (GRCh38, 1-based): chr9:95,941,498, T>C. VCF-style: chr9-95941498-T-C. GRCh37 (hg19) VCF-style: chr9-98703780-T-C.
Other names: c.1796T>C, p.Val599Ala (NM_001010895.4, NM_001375291.1, NM_001375292.1 and 2 more transcripts); short protein forms V599A.
Identifiers: ClinVar variation 1426674 (VCV001426674.9), dbSNP rs1395438894, ClinGen allele CA374119075.

ClinVar aggregate classification (germline): Uncertain significance. Review status: criteria provided, multiple submitters, no conflicts (2 of 4 stars). 2 submissions from 2 submitters: Uncertain significance (2). Last evaluated 2025-01-31.

Conditions:
Inborn genetic diseases. Identifiers: MedGen C0950123, MeSH D030342.

Allele frequency attached by ClinVar (database versions not stated): TOPMed below 0.00001.

Submissions (2):

Ambry Genetics
Classification: Uncertain significance for Inborn genetic diseases. Last evaluated: 2025-01-31. Review status: criteria provided, single submitter. Criteria: Ambry Variant Classification Scheme 2023. Collection method: clinical testing. Allele origin: germline.
Comment: The p.V599A variant (also known as c.1796T>C), located in coding exon 12 of the ERCC6L2 gene, results from a T to C substitution at nucleotide position 1796. The valine at codon 599 is replaced by alanine, an amino acid with similar properties. This amino acid position is conserved. In addition, the in silico prediction for this alteration is inconclusive. Based on the available evidence, the clinical significance of this variant remains unclear.

Labcorp Genetics (formerly Invitae), Labcorp
Classification: Uncertain significance. Last evaluated: 2022-07-12. Review status: criteria provided, single submitter. Criteria: Invitae Variant Classification Sherloc (09022015). Collection method: clinical testing. Allele origin: germline.
Comment: In summary, the available evidence is currently insufficient to determine the role of this variant in disease. Therefore, it has been classified as a Variant of Uncertain Significance. This sequence change replaces valine, which is neutral and non-polar, with alanine, which is neutral and non-polar, at codon 610 of the ERCC6L2 protein (p.Val610Ala). This variant is not present in population databases (gnomAD no frequency). This variant has not been reported in the literature in individuals affected with ERCC6L2-related conditions. ClinVar contains an entry for this variant (Variation ID: 1426674). Algorithms developed to predict the effect of missense changes on protein structure and function are either unavailable or do not agree on the potential impact of this missense change (SIFT: "Deleterious"; PolyPhen-2: "Not Available"; Align-GVGD: "Class C0").